The following is an entry in ClinVar:

ClinVar aggregate classification (germline): Benign/Likely benign. Review status: criteria provided, multiple submitters, no conflicts (2 of 4 stars). 15 submissions from 13 submitters: Benign (9); Likely benign (2). 4 of the submissions do not count toward it. Last evaluated 2026-02-04.

Conditions:
Usher syndrome type 1 (USH1). Also called: RETINITIS PIGMENTOSA AND CONGENITAL DEAFNESS. Identifiers: Orphanet 231169, Orphanet 886, MedGen C1568247, MONDO:0010168, OMIM 276900.
Usher syndrome type 1D (USH1D). Also called: USHER SYNDROME, TYPE ID. Identifiers: Orphanet 231169, Orphanet 886, MedGen C1832845, MONDO:0010984, OMIM 601067.
Autosomal recessive nonsyndromic hearing loss 12. Also called: DEAFNESS, AUTOSOMAL RECESSIVE 12. Identifiers: Orphanet 90636, MedGen C1832394, MONDO:0011067, OMIM 601386.

Allele frequency attached by ClinVar (database versions not stated): gnomAD exomes 0.03607; ExAC 0.03731; TOPMed 0.04180; gnomAD 0.03787 and 0.03706; 1000 Genomes Project 30x 0.05169; 1000 Genomes Project 0.05212; ESP Exome Variant Server 0.03530.
gnomAD v4.1: 49,145 of 1,613,762 alleles (3%); highest among the groups gnomAD compares: East Asian, 10%; 1,255 homozygotes.

Submissions (15):

Labcorp Genetics (formerly Invitae), Labcorp
Classification: Benign. Last evaluated: 2026-02-04. Review status: criteria provided, single submitter. Criteria: Invitae Variant Classification Sherloc (09022015). Collection method: clinical testing. Allele origin: germline.

Mayo Clinic Laboratories, Mayo Clinic
Classification: Benign. Last evaluated: 2022-04-17. Review status: criteria provided, single submitter. Criteria: ACMG Guidelines, 2015. Collection method: clinical testing. Allele origin: germline. Observed: 12 variant alleles.

Genome-Nilou Lab
Classification: Benign for Usher syndrome type 1D. Last evaluated: 2021-07-01. Review status: criteria provided, single submitter. Criteria: ACMG Guidelines, 2015. Collection method: clinical testing. Allele origin: germline. Affected: no.

Genome-Nilou Lab
Classification: Benign for Autosomal recessive nonsyndromic hearing loss 12. Last evaluated: 2021-07-01. Review status: criteria provided, single submitter. Criteria: ACMG Guidelines, 2015. Collection method: clinical testing. Allele origin: germline. Affected: no.

Athena Diagnostics
Classification: Benign. Last evaluated: 2018-11-16. Review status: criteria provided, single submitter. Criteria: Athena Diagnostics Criteria. Collection method: clinical testing. Allele origin: germline.

Illumina Laboratory Services, Illumina
Classification: Benign for Usher syndrome type 1D. Last evaluated: 2018-01-13. Review status: criteria provided, single submitter. Criteria: ICSL Variant Classification Criteria 13 December 2019. Collection method: clinical testing. Allele origin: germline.
Comment: This variant was observed in the ICSL laboratory as part of a predisposition screen in an ostensibly healthy population. It had not been previously curated by ICSL or reported in the Human Gene Mutation Database (HGMD: prior to June 1st, 2018), and was therefore a candidate for classification through an automated scoring system. Utilizing variant allele frequency, disease prevalence and penetrance estimates, and inheritance mode, an automated score was calculated to assess if this variant is too frequent to cause the disease. Based on the score and internal cut-off values, a variant classified as benign is not then subjected to further curation. The score for this variant resulted in a classification of benign for this disease.

Illumina Laboratory Services, Illumina
Classification: Likely benign for Autosomal recessive nonsyndromic hearing loss 12. Last evaluated: 2018-01-13. Review status: criteria provided, single submitter. Criteria: ICSL Variant Classification Criteria 13 December 2019. Collection method: clinical testing. Allele origin: germline.
Comment: This variant was observed in the ICSL laboratory as part of a predisposition screen in an ostensibly healthy population. It had not been previously curated by ICSL or reported in the Human Gene Mutation Database (HGMD: prior to June 1st, 2018), and was therefore a candidate for classification through an automated scoring system. Utilizing variant allele frequency, disease prevalence and penetrance estimates, and inheritance mode, an automated score was calculated to assess if this variant is too frequent to cause the disease. Based on the score and internal cut-off values, a variant classified as likely benign is not then subjected to further curation. The score for this variant resulted in a classification of likely benign for this disease.

GeneDx
Classification: Benign. Last evaluated: 2013-02-14. Review status: criteria provided, single submitter. Criteria: GeneDx Variant Classification (06012015). Collection method: clinical testing. Allele origin: germline. Affected: yes.
Comment: This variant is considered likely benign or benign based on one or more of the following criteria: it is a conservative change, it occurs at a poorly conserved position in the protein, it is predicted to be benign by multiple in silico algorithms, and/or has population frequency not consistent with disease.

Laboratory for Molecular Medicine, Mass General Brigham Personalized Medicine
Classification: Benign. Last evaluated: 2009-06-12. Review status: criteria provided, single submitter. Criteria: LMM Criteria. Collection method: clinical testing. Allele origin: germline. Observed: 148 variant alleles.

Breakthrough Genomics
Classification: Likely benign. Review status: criteria provided, single submitter. Criteria: ACMG Guidelines, 2015. Collection method: not provided. Allele origin: germline. Inheritance: Autosomal recessive inheritance. Affected: yes.

PreventionGenetics, part of Exact Sciences
Classification: Benign. Review status: criteria provided, single submitter. Criteria: ACMG Guidelines, 2015. Collection method: clinical testing. Allele origin: germline.

Natera, Inc.
Classification: Benign for Usher syndrome type 1. Last evaluated: 2020-09-16. Review status: no assertion criteria provided. Collection method: clinical testing. Allele origin: germline. Not counted in ClinVar's aggregate classification.

Joint Genome Diagnostic Labs from Nijmegen and Maastricht, Radboudumc and MUMC+
Classification: Benign. Review status: no assertion criteria provided. Collection method: clinical testing. Allele origin: germline. Affected: yes. Study: VKGL Data-share Consensus. Not counted in ClinVar's aggregate classification.

Laboratory of Diagnostic Genome Analysis, Leiden University Medical Center (LUMC)
Classification: Likely benign. Review status: no assertion criteria provided. Collection method: clinical testing. Allele origin: germline. Affected: yes. Study: VKGL Data-share Consensus. Not counted in ClinVar's aggregate classification.

NEI Ophthalmic Genomics Laboratory, National Institutes of Health
No classification provided. Review status: no classification provided. Collection method: not provided. Allele origin: not provided. Not counted in ClinVar's aggregate classification.

Literature cited by the submitters: PubMed 18429043 (cited by Laboratory for Molecular Medicine, Mass General Brigham Personalized Medicine); PubMed 17850630 (cited by Laboratory for Molecular Medicine, Mass General Brigham Personalized Medicine); PubMed 12075507 (cited by Laboratory for Molecular Medicine, Mass General Brigham Personalized Medicine); PubMed 16679490 (cited by Laboratory for Molecular Medicine, Mass General Brigham Personalized Medicine); PubMed 18348277 (cited by Laboratory for Molecular Medicine, Mass General Brigham Personalized Medicine).

NM_022124.6(CDH23):c.4310G>A (p.Arg1437Gln)

Gene: CDH23 (cadherin related 23; plus strand). Cytogenetic location: 10q22.1.
Variant type: single nucleotide variant.
Coding change: c.4310G>A on transcript NM_022124.6 (MANE Select); coding-DNA position 4310, G replaced by A.
Protein change: p.Arg1437Gln; replaces arginine 1437 with glutamine.
Molecular consequence: missense variant.
Genome position (GRCh38, 1-based): chr10:71,738,598, G>A. VCF-style: chr10-71738598-G-A. GRCh37 (hg19) VCF-style: chr10-73498355-G-A.
Other names: p.R1437Q:CGA>CAA; short protein forms R1437Q.
Identifiers: ClinVar variation 45944 (VCV000045944.27), dbSNP rs56181447, ClinGen allele CA137424.